The following is an entry in ClinVar:

ClinVar aggregate classification (germline): Uncertain significance (1 of 4 stars; one submission).

Allele frequency attached by ClinVar (database versions not stated): gnomAD exomes 0.00002 and 0.00004; TOPMed 0.00004; gnomAD 0.00005.
gnomAD v4.1: 65 of 1,614,148 alleles (0.004%); highest among the groups gnomAD compares: Non-Finnish European, 0.005%; no homozygotes.

Submission:

Labcorp Genetics (formerly Invitae), Labcorp
Classification: Uncertain significance. Last evaluated: 2023-11-12. Review status: criteria provided, single submitter. Criteria: Invitae Variant Classification Sherloc (09022015). Collection method: clinical testing. Allele origin: germline.
Comment: This sequence change replaces glycine, which is neutral and non-polar, with arginine, which is basic and polar, at codon 486 of the GRM6 protein (p.Gly486Arg). The frequency data for this variant in the population databases is considered unreliable, as metrics indicate poor data quality at this position in the gnomAD database. This variant has not been reported in the literature in individuals affected with GRM6-related conditions. ClinVar contains an entry for this variant (Variation ID: 1059628). Advanced modeling of protein sequence and biophysical properties (such as structural, functional, and spatial information, amino acid conservation, physicochemical variation, residue mobility, and thermodynamic stability) performed at Invitae indicates that this missense variant is not expected to disrupt GRM6 protein function with a negative predictive value of 80%. Algorithms developed to predict the effect of sequence changes on RNA splicing suggest that this variant may disrupt the consensus splice site. In summary, the available evidence is currently insufficient to determine the role of this variant in disease. Therefore, it has been classified as a Variant of Uncertain Significance.

NM_000843.4(GRM6):c.1456G>A (p.Gly486Arg)

Genes: GRM6 (glutamate metabotropic receptor 6; minus strand), ZNF454 (zinc finger protein 454; plus strand). Cytogenetic location: 5q35.3.
Variant type: single nucleotide variant.
Coding change: c.1456G>A on transcript NM_000843.4 (MANE Select); coding-DNA position 1456, G replaced by A.
Protein change: p.Gly486Arg; replaces glycine 486 with arginine.
Molecular consequence: missense variant.
Genome position (GRCh38, 1-based): chr5:178,986,882, C>T on the plus strand (G>A on the coding strand, the complement: GRM6 is on the minus strand). VCF-style: chr5-178986882-C-T. GRCh37 (hg19) VCF-style: chr5-178413883-C-T.
Other names: short protein forms G486R.
Identifiers: ClinVar variation 1059628 (VCV001059628.6), dbSNP rs1036612572, ClinGen allele CA133026433.